The following is an entry in ClinVar:

NM_000089.4(COL1A2):c.476T>C (p.Val159Ala)

Gene: COL1A2 (collagen type I alpha 2 chain; plus strand). Cytogenetic location: 7q21.3.
Variant type: single nucleotide variant.
Coding change: c.476T>C on transcript NM_000089.4 (MANE Select); coding-DNA position 476, T replaced by C.
Protein change: p.Val159Ala; replaces valine 159 with alanine.
Molecular consequence: missense variant.
Genome position (GRCh38, 1-based): chr7:94,405,242, T>C. VCF-style: chr7-94405242-T-C. GRCh37 (hg19) VCF-style: chr7-94034554-T-C.
Other names: short protein forms V159A.
Identifiers: ClinVar variation 3763995 (VCV003763995.2).
Genomic context (GRCh38, chr7:94,405,242, plus strand): 5'-AATGTTTTCATGTTTAGGGTCACCCTGGAAAACCCGGACGACCTGGTGAGAGAGGAGTTG[T>C]TGGACCACAGGTGAGACTTTTTACATTGGTAGATAGCACAAACATCATAGGCCTATAAGA-3'
Protein context (NP_000080.2, residues 149-169): KPGRPGERGV[Val159Ala]GPQGARGFPG

ClinVar aggregate classification (germline): Uncertain significance (1 of 4 stars; one submission).

Conditions:
Ehlers-Danlos syndrome, classic type, 1 (EDSCL1). Also called: EHLERS-DANLOS SYNDROME, GRAVIS TYPE; EHLERS-DANLOS SYNDROME, SEVERE CLASSIC TYPE; Ehlers-Danlos syndrome, type 1; Ehlers-Danlos Syndrome, Classic Type, COL5A1-Related; EDS I. Identifiers: MedGen C0268335, MONDO:0019567, OMIM 130000.
Osteogenesis imperfecta type I (OI1). Also called: OI, TYPE I; OSTEOGENESIS IMPERFECTA TARDA; OSTEOGENESIS IMPERFECTA WITH BLUE SCLERAE; Osteogenesis imperfecta type 1; Lobstein's Disease; Lobstein disease. Identifiers: Orphanet 216796, Orphanet 666, MedGen C0023931, MONDO:0008146, OMIM 166200. Disease mechanism: loss of function.

Submission:

Labcorp Genetics (formerly Invitae), Labcorp
Classification: Uncertain significance for Osteogenesis imperfecta type I; Ehlers-Danlos syndrome, classic type, 1. Last evaluated: 2024-02-07. Review status: criteria provided, single submitter. Criteria: Invitae Variant Classification Sherloc (09022015). Collection method: clinical testing. Allele origin: germline.
Comment: This sequence change replaces valine, which is neutral and non-polar, with alanine, which is neutral and non-polar, at codon 159 of the COL1A2 protein (p.Val159Ala). This variant is not present in population databases (gnomAD no frequency). This variant has not been reported in the literature in individuals affected with COL1A2-related conditions. Advanced modeling of protein sequence and biophysical properties (such as structural, functional, and spatial information, amino acid conservation, physicochemical variation, residue mobility, and thermodynamic stability) performed at Invitae indicates that this missense variant is not expected to disrupt COL1A2 protein function with a negative predictive value of 95%. In summary, the available evidence is currently insufficient to determine the role of this variant in disease. Therefore, it has been classified as a Variant of Uncertain Significance.